The following is an entry in ClinVar:

ClinVar aggregate classification (germline): Pathogenic (1 of 4 stars; one submission).

Conditions:
Spastic paraplegia. Identifiers: MedGen C0037772, HP:0001258.

Submission:

Labcorp Genetics (formerly Invitae), Labcorp
Classification: Pathogenic for Spastic paraplegia. Last evaluated: 2022-09-22. Review status: criteria provided, single submitter. Criteria: Invitae Variant Classification Sherloc (09022015). Collection method: clinical testing. Allele origin: germline.
Comment: This sequence change creates a premature translational stop signal (p.Trp1900*) in the SACS gene. While this is not anticipated to result in nonsense mediated decay, it is expected to disrupt the last 2680 amino acid(s) of the SACS protein. This variant is not present in population databases (gnomAD no frequency). This variant has not been reported in the literature in individuals affected with SACS-related conditions. This variant disrupts a region of the SACS protein in which other variant(s) (p.Asn4549Asp) have been determined to be pathogenic (PMID: 15156359, 21507954). This suggests that this is a clinically significant region of the protein, and that variants that disrupt it are likely to be disease-causing. For these reasons, this variant has been classified as Pathogenic.

Literature cited by the submitters: PubMed 15156359; PubMed 21507954.

NM_014363.6(SACS):c.5700G>A (p.Trp1900Ter)

Gene: SACS (sacsin molecular chaperone; minus strand). Cytogenetic location: 13q12.12.
Variant type: single nucleotide variant.
Coding change: c.5700G>A on transcript NM_014363.6 (MANE Select); coding-DNA position 5700, G replaced by A.
Protein change: p.Trp1900Ter; replaces tryptophan 1900 with a stop codon.
Molecular consequence: nonsense.
Genome position (GRCh38, 1-based): chr13:23,338,176, C>T on the plus strand (G>A on the coding strand, the complement: SACS is on the minus strand). VCF-style: chr13-23338176-C-T. GRCh37 (hg19) VCF-style: chr13-23912315-C-T.
Other names: c.5259G>A, p.Trp1753Ter (NM_001278055.2); short protein forms W1753*, W1900*.
Identifiers: ClinVar variation 2172192 (VCV002172192.4), dbSNP rs2542262920, ClinGen allele CA387524969.